The following is an entry in ClinVar:

ClinVar aggregate classification (germline): Uncertain significance. Review status: criteria provided, multiple submitters, no conflicts (2 of 4 stars). 2 submissions from 2 submitters: Uncertain significance (2). Last evaluated 2023-12-12.

Conditions:
Inborn genetic diseases. Identifiers: MedGen C0950123, MeSH D030342.

gnomAD v4.1: 9 of 1,015,598 alleles (0.00089%); highest among the groups gnomAD compares: East Asian, 0.029%; no homozygotes.

Submissions (2):

Ambry Genetics
Classification: Uncertain significance for Inborn genetic diseases. Last evaluated: 2023-12-12. Review status: criteria provided, single submitter. Criteria: Ambry Variant Classification Scheme 2023. Collection method: clinical testing. Allele origin: germline.

Labcorp Genetics (formerly Invitae), Labcorp
Classification: Uncertain significance. Last evaluated: 2023-08-04. Review status: criteria provided, single submitter. Criteria: Invitae Variant Classification Sherloc (09022015). Collection method: clinical testing. Allele origin: germline.
Comment: ClinVar contains an entry for this variant (Variation ID: 1973293). This variant has not been reported in the literature in individuals affected with BPTF-related conditions. The frequency data for this variant in the population databases is considered unreliable, as metrics indicate insufficient coverage at this position in the gnomAD database. This sequence change replaces glycine, which is neutral and non-polar, with arginine, which is basic and polar, at codon 69 of the BPTF protein (p.Gly69Arg). Experimental studies and prediction algorithms are not available or were not evaluated, and the functional significance of this variant is currently unknown. In summary, the available evidence is currently insufficient to determine the role of this variant in disease. Therefore, it has been classified as a Variant of Uncertain Significance.

NM_182641.4(BPTF):c.205G>C (p.Gly69Arg)

Gene: BPTF (bromodomain PHD finger transcription factor; plus strand). Cytogenetic location: 17q24.2.
Variant type: single nucleotide variant.
Coding change: c.205G>C on transcript NM_182641.4 (MANE Select); coding-DNA position 205, G replaced by C.
Protein change: p.Gly69Arg; replaces glycine 69 with arginine.
Molecular consequence: missense variant.
Genome position (GRCh38, 1-based): chr17:67,825,929, G>C. VCF-style: chr17-67825929-G-C. GRCh37 (hg19) VCF-style: chr17-65822045-G-C.
Other names: c.205G>C, p.Gly69Arg (NM_004459.7); c.205G>C (NM_182641.3); short protein forms G69R.
Identifiers: ClinVar variation 1973293 (VCV001973293.6), dbSNP rs1011342595, ClinGen allele CA293236438.